The following is an entry in ClinVar:

ClinVar aggregate classification (germline): Uncertain significance (1 of 4 stars; one submission).

Conditions:
Polycystic kidney disease 2 (PKD2). Also called: POLYCYSTIC KIDNEY DISEASE, ADULT, TYPE II; POLYCYSTIC KIDNEY DISEASE 2 WITH OR WITHOUT POLYCYSTIC LIVER DISEASE; Polycystic Kidney Disease 2, Autosomal Dominant. Identifiers: MedGen C2751306, MONDO:0013131, OMIM 613095.

Submission:

Foundation for Research in Genetics and Endocrinology, FRIGE's Institute of Human Genetics
Classification: Uncertain significance for Polycystic kidney disease 2. Last evaluated: 2023-08-10. Review status: criteria provided, single submitter. Criteria: ACMG Guidelines, 2015. Collection method: clinical testing. Allele origin: germline. Inheritance: Autosomal dominant inheritance. Affected: yes. Observed: 1 heterozygote.
Comment: A heterozygous missense variant in exon 5 of the PKD2 gene that results in the amino acid substitution of Arginine for Serine at codon 377 (p.Ser377Arg) was detected. The p.Ser377Arg variant has not been reported in the 1000 genomes, gnomAD (v3.1), gnomdAD (v2), topmed databases respectively. The in-silico prediction of the variant is damaging by LRT. The reference codon is conserved across species. In summary, the variant meets our criteria to be classified as variant of uncertain significance.

NM_000297.4(PKD2):c.1129A>C (p.Ser377Arg)

Gene: PKD2 (polycystin 2, transient receptor potential cation channel; plus strand). Cytogenetic location: 4q22.1.
Variant type: single nucleotide variant.
Coding change: c.1129A>C on transcript NM_000297.4 (MANE Select); coding-DNA position 1129, A replaced by C.
Protein change: p.Ser377Arg; replaces serine 377 with arginine.
Molecular consequence: missense variant. On other transcripts: non-coding transcript variant (1).
Genome position (GRCh38, 1-based): chr4:88,043,267, A>C. VCF-style: chr4-88043267-A-C. GRCh37 (hg19) VCF-style: chr4-88964419-A-C.
Other names: p.Ser377Arg; short protein forms S377R.
Identifiers: ClinVar variation 2575893 (VCV002575893.1), dbSNP rs2475915474, ClinGen allele CA357615462.